The following is an entry in ClinVar:

NM_133433.4(NIPBL):c.1893G>A (p.Val631=)

Gene: NIPBL (NIPBL cohesin loading factor; plus strand). Cytogenetic location: 5p13.2.
Variant type: single nucleotide variant.
Coding change: c.1893G>A on transcript NM_133433.4 (MANE Select); coding-DNA position 1893, G replaced by A.
Protein change: p.Val631=; no amino-acid change (valine 631 retained).
Molecular consequence: synonymous variant.
Genome position (GRCh38, 1-based): chr5:36,985,073, G>A. VCF-style: chr5-36985073-G-A. GRCh37 (hg19) VCF-style: chr5-36985175-G-A.
Other names: c.1893G>A, p.Val631= (NM_015384.5).
Identifiers: ClinVar variation 2749030 (VCV002749030.4), dbSNP rs764259165, ClinGen allele CA3236099.

ClinVar aggregate classification (germline): Likely benign. Review status: criteria provided, multiple submitters, no conflicts (2 of 4 stars). 2 submissions from 2 submitters: Likely benign (2). Last evaluated 2024-05-24.

Conditions:
Cornelia de Lange syndrome 1 (CDLS1). Also called: Brachmann de Lange syndrome; TYPUS DEGENERATIVUS AMSTELODAMENSIS; NIPBL-Related Cornelia de Lange Syndrome. Identifiers: Orphanet 199, MedGen C4551851, MONDO:0007387, OMIM 122470.

Allele frequency attached by ClinVar (database versions not stated): TOPMed below 0.00001; ExAC 0.00001; gnomAD 0.00001; gnomAD exomes 0.00001.
gnomAD v4.1: 21 of 1,613,652 alleles (0.0013%); highest among the groups gnomAD compares: Admixed American, 0.0067%; no homozygotes.

Submissions (2):

Women's Health and Genetics/Laboratory Corporation of America, LabCorp
Classification: Likely benign. Last evaluated: 2024-05-24. Review status: criteria provided, single submitter. Criteria: LabCorp Variant Classification Summary - May 2015. Collection method: clinical testing. Allele origin: germline.
Comment: Variant summary: NIPBL c.1893G>A alters a conserved nucleotide resulting in a synonymous change. Consensus agreement among computation tools predict no significant impact on normal splicing. However, these predictions have yet to be confirmed by functional studies. The variant allele was found at a frequency of 2e-05 in 249864 control chromosomes. The available data on variant occurrences in the general population are insufficient to allow any conclusion about variant significance. To our knowledge, no occurrence of c.1893G>A in individuals affected with Cornelia De Lange Syndrome 1 and no experimental evidence demonstrating its impact on protein function have been reported. ClinVar contains an entry for this variant (Variation ID: 2749030). Based on the evidence outlined above, the variant was classified as likely benign.

Labcorp Genetics (formerly Invitae), Labcorp
Classification: Likely benign for Cornelia de Lange syndrome 1. Last evaluated: 2023-08-09. Review status: criteria provided, single submitter. Criteria: Invitae Variant Classification Sherloc (09022015). Collection method: clinical testing. Allele origin: germline.